The following is an entry in ClinVar:

ClinVar aggregate classification (germline): Uncertain significance (1 of 4 stars; one submission).

Conditions:
Neuropathy, hereditary sensory, type 1F. Also called: HSN IF; Hereditary sensory neuropathy type IF. Identifiers: Orphanet 36386, MedGen C3810194, MONDO:0014286, OMIM 615632.

Submission:

Labcorp Genetics (formerly Invitae), Labcorp
Classification: Uncertain significance for Neuropathy, hereditary sensory, type 1F. Last evaluated: 2025-12-25. Review status: criteria provided, single submitter. Criteria: Invitae Variant Classification Sherloc (09022015). Collection method: clinical testing. Allele origin: germline.
Comment: This sequence change replaces glutamic acid, which is acidic and polar, with lysine, which is basic and polar, at codon 310 of the ATL3 protein (p.Glu310Lys). This variant is not present in population databases (gnomAD no frequency). This variant has not been reported in the literature in individuals affected with ATL3-related conditions. Invitae Evidence Modeling of protein sequence and biophysical properties (such as structural, functional, and spatial information, amino acid conservation, physicochemical variation, residue mobility, and thermodynamic stability) indicates that this missense variant is not expected to disrupt ATL3 protein function with a negative predictive value of 80%. In summary, the available evidence is currently insufficient to determine the role of this variant in disease. Therefore, it has been classified as a Variant of Uncertain Significance.

NM_015459.5(ATL3):c.928G>A (p.Glu310Lys)

Genes: ATL3 (atlastin GTPase 3; minus strand), LNCROPM (lncRNA regulator of PLAAT3 mediated phospholipid metabolism; plus strand). Cytogenetic location: 11q13.1.
Variant type: single nucleotide variant.
Coding change: c.928G>A on transcript NM_015459.5 (MANE Select); coding-DNA position 928, G replaced by A.
Protein change: p.Glu310Lys; replaces glutamic acid 310 with lysine.
Molecular consequence: missense variant.
Genome position (GRCh38, 1-based): chr11:63,636,257, C>T on the plus strand (G>A on the coding strand, the complement: ATL3 is on the minus strand). VCF-style: chr11-63636257-C-T. GRCh37 (hg19) VCF-style: chr11-63403729-C-T.
Other names: c.874G>A, p.Glu292Lys (NM_001290048.2); c.877G>A, p.Glu293Lys (NM_001440716.1); c.871G>A, p.Glu291Lys (NM_001440717.1); c.928G>A, p.Glu310Lys (NM_001440718.1); c.823G>A, p.Glu275Lys (NM_001440719.1); c.817G>A, p.Glu273Lys (NM_001440720.1); c.772G>A, p.Glu258Lys (NM_001440721.1); c.715G>A, p.Glu239Lys (NM_001440722.1); short protein forms E291K, E258K, E239K, E273K, E292K, E310K, E275K, E293K.
Identifiers: ClinVar variation 4741473 (VCV004741473.1).